The following is an entry in ClinVar:

NM_001035.3(RYR2):c.14449A>G (p.Met4817Val)

Gene: RYR2 (ryanodine receptor 2; plus strand). Cytogenetic location: 1q43.
Variant type: single nucleotide variant.
Coding change: c.14449A>G on transcript NM_001035.3 (MANE Select); coding-DNA position 14449, A replaced by G.
Protein change: p.Met4817Val; replaces methionine 4817 with valine.
Molecular consequence: missense variant.
Genome position (GRCh38, 1-based): chr1:237,819,051, A>G. VCF-style: chr1-237819051-A-G. GRCh37 (hg19) VCF-style: chr1-237982351-A-G.
Other names: short protein forms M4817V.
Identifiers: ClinVar variation 3385881 (VCV003385881.1).

ClinVar aggregate classification (germline): Uncertain significance (1 of 4 stars; one submission).

Conditions:
Catecholaminergic polymorphic ventricular tachycardia (CVPT). Also called: Catecholamine-induced polymorphic ventricular tachycardia. Identifiers: Orphanet 3286, MedGen C5574922, MONDO:0017990.

Submission:

All of Us Research Program, National Institutes of Health
Classification: Uncertain significance for Catecholaminergic polymorphic ventricular tachycardia. Last evaluated: 2024-09-23. Review status: criteria provided, single submitter. Criteria: ACMG Guidelines, 2015. Collection method: clinical testing. Allele origin: germline. Inheritance: Autosomal dominant inheritance. Observed: 1 variant allele, 1 heterozygote.
Comment: This study involves interpretation of variants in research participants for the purpose of population health screening. Participant phenotype was not available at the time of variant classification. Additional details can be found in publication PMID: 35346344, PMCID: PMC8962531